The following is an entry in ClinVar:

NM_005932.4(MIPEP):c.1090G>A (p.Val364Met)

Gene: MIPEP (mitochondrial intermediate peptidase; minus strand). Cytogenetic location: 13q12.12.
Variant type: single nucleotide variant.
Coding change: c.1090G>A on transcript NM_005932.4 (MANE Select); coding-DNA position 1090, G replaced by A.
Protein change: p.Val364Met; replaces valine 364 with methionine.
Molecular consequence: missense variant.
Genome position (GRCh38, 1-based): chr13:23,858,876, C>T on the plus strand (G>A on the coding strand, the complement: MIPEP is on the minus strand). VCF-style: chr13-23858876-C-T. GRCh37 (hg19) VCF-style: chr13-24433015-C-T.
Other names: short protein forms V364M.
Identifiers: ClinVar variation 1030038 (VCV001030038.1), dbSNP rs780905427, ClinGen allele CA6913117.

ClinVar aggregate classification (germline): Uncertain significance (1 of 4 stars; one submission).

Conditions:
Lethal left ventricular non-compaction-seizures-hypotonia-cataract-developmental delay syndrome. Also called: Combined oxidative phosphorylation deficiency 31. Identifiers: Orphanet 478049, MedGen C4310661, MONDO:0014976, OMIM 617228.

Allele frequency attached by ClinVar (database versions not stated): ExAC 0.00002; gnomAD 0.00003 and 0.00004; gnomAD exomes 0.00003; TOPMed 0.00005.
gnomAD v4.1: 48 of 1,613,570 alleles (0.003%); highest among the groups gnomAD compares: Non-Finnish European, 0.004%; no homozygotes.

Submission:

Baylor Genetics
Classification: Uncertain significance for Lethal left ventricular non-compaction-seizures-hypotonia-cataract-developmental delay syndrome. Last evaluated: 2020-11-16. Review status: criteria provided, single submitter. Criteria: ACMG Guidelines, 2015. Collection method: clinical testing. Allele origin: maternal. Affected: yes.
Comment: This variant was determined to be of uncertain significance according to ACMG Guidelines, 2015 [PMID:25741868].